The following is an entry in ClinVar:

ClinVar aggregate classification (germline): Uncertain significance. Review status: criteria provided, multiple submitters, no conflicts (2 of 4 stars). 2 submissions from 2 submitters: Uncertain significance (2). Last evaluated 2023-08-23.

Conditions:
DICER1-related tumor predisposition. Also called: DICER1 syndrome; DICER1-related pleuropulmonary blastoma cancer predisposition syndrome. Identifiers: Orphanet 284343, MedGen C3839822, MONDO:0100216.
Hereditary cancer-predisposing syndrome. Also called: Hereditary Cancer Syndrome; Hereditary neoplastic syndrome; Tumor predisposition; Neoplastic Syndromes, Hereditary. Identifiers: Orphanet 140162, MedGen C0027672, MeSH D009386, MONDO:0015356.

Submissions (2):

Labcorp Genetics (formerly Invitae), Labcorp
Classification: Uncertain significance for DICER1-related tumor predisposition. Last evaluated: 2023-08-23. Review status: criteria provided, single submitter. Criteria: Invitae Variant Classification Sherloc (09022015). Collection method: clinical testing. Allele origin: germline.
Comment: ClinVar contains an entry for this variant (Variation ID: 1354451). This variant has not been reported in the literature in individuals affected with DICER1-related conditions. This variant is not present in population databases (gnomAD no frequency). This sequence change replaces threonine, which is neutral and polar, with isoleucine, which is neutral and non-polar, at codon 541 of the DICER1 protein (p.Thr541Ile). In summary, the available evidence is currently insufficient to determine the role of this variant in disease. Therefore, it has been classified as a Variant of Uncertain Significance. Advanced modeling of protein sequence and biophysical properties (such as structural, functional, and spatial information, amino acid conservation, physicochemical variation, residue mobility, and thermodynamic stability) performed at Invitae indicates that this missense variant is not expected to disrupt DICER1 protein function.

Ambry Genetics
Classification: Uncertain significance for Hereditary cancer-predisposing syndrome. Last evaluated: 2020-01-08. Review status: criteria provided, single submitter. Criteria: Ambry Variant Classification Scheme 2023. Collection method: clinical testing. Allele origin: germline.
Comment: The p.T541I variant (also known as c.1622C>T), located in coding exon 9 of the DICER1 gene, results from a C to T substitution at nucleotide position 1622. The threonine at codon 541 is replaced by isoleucine, an amino acid with similar properties. This amino acid position is well conserved in available vertebrate species. In addition, this alteration is predicted to be tolerated by in silico analysis. Since supporting evidence is limited at this time, the clinical significance of this alteration remains unclear.

NM_177438.3(DICER1):c.1622C>T (p.Thr541Ile)

Gene: DICER1 (dicer 1, ribonuclease III; minus strand). Cytogenetic location: 14q32.13.
Variant type: single nucleotide variant.
Coding change: c.1622C>T on transcript NM_177438.3 (MANE Select); coding-DNA position 1622, C replaced by T.
Protein change: p.Thr541Ile; replaces threonine 541 with isoleucine.
Molecular consequence: missense variant.
Genome position (GRCh38, 1-based): chr14:95,116,583, G>A on the plus strand (C>T on the coding strand, the complement: DICER1 is on the minus strand). VCF-style: chr14-95116583-G-A. GRCh37 (hg19) VCF-style: chr14-95582920-G-A.
Other names: c.1622C>T, p.Thr541Ile (NM_001195573.1, NM_001271282.3, NM_001291628.2 and 1 more transcripts); short protein forms T541I.
Identifiers: ClinVar variation 1354451 (VCV001354451.11), dbSNP rs2140124666, ClinGen allele CA390884936.
Genomic context (GRCh38, chr14:95,116,583, plus strand): 5'-ATATAATTAGAGATGGGTGCCCTTGCTCTTCCTTTAGATTGAACATAGGATCGATATTCT[G>A]TGGGCAAATCAAAACGAACCACCAAGTTGCATTTTGGTATATCAACACCCTCTTCTACAA-3'
Protein context (NP_803187.1, residues 531-551): CNLVVRFDLP[Thr541Ile]EYRSYVQSKG